The following is an entry in ClinVar:

ClinVar aggregate classification (germline): Benign. Review status: criteria provided, multiple submitters, no conflicts (2 of 4 stars). 4 submissions from 4 submitters: Benign (4). Last evaluated 2026-01-11.

Conditions:
Oligosynaptic infertility (SPGF1). Also called: OLIGOCHIASMATIC INFERTILITY; SPERMATOGENIC FAILURE 1. Identifiers: MedGen C0403810, MONDO:0009776, OMIM 258150.
46 XY differences of sex development. Also called: 46,XY disorder of sex development; 46, XY disorder of sex development (DSD). Identifiers: Orphanet 98085, MedGen C2751824, MONDO:0020040.

Allele frequency attached by ClinVar (database versions not stated): gnomAD exomes 0.02157; ExAC 0.02645; 1000 Genomes Project 0.08706; 1000 Genomes Project 30x 0.09026; TOPMed 0.09244; ESP Exome Variant Server 0.09573.
gnomAD v4.1: 25,642 of 1,611,976 alleles (1.6%); highest among the groups gnomAD compares: African/African-American, 30%; 3,482 homozygotes.

Submissions (4):

Labcorp Genetics (formerly Invitae), Labcorp
Classification: Benign for 46 XY differences of sex development; Oligosynaptic infertility. Last evaluated: 2026-01-11. Review status: criteria provided, single submitter. Criteria: Invitae Variant Classification Sherloc (09022015). Collection method: clinical testing. Allele origin: germline.

GeneDx
Classification: Benign. Last evaluated: 2015-03-03. Review status: criteria provided, single submitter. Criteria: GeneDx Variant Classification Process June 2021. Collection method: clinical testing. Allele origin: germline. Affected: yes.
Comment: This variant is associated with the following publications: (PMID: 31787151)

Breakthrough Genomics
Classification: Benign. Review status: criteria provided, single submitter. Criteria: ACMG Guidelines, 2015. Collection method: not provided. Allele origin: germline. Inheritance: Autosomal dominant inheritance. Affected: yes.

PreventionGenetics, part of Exact Sciences
Classification: Benign. Review status: criteria provided, single submitter. Criteria: ACMG Guidelines, 2015. Collection method: clinical testing. Allele origin: germline.

NM_004959.5(NR5A1):c.375G>A (p.Pro125=)

Gene: NR5A1 (nuclear receptor subfamily 5 group A member 1; minus strand). Cytogenetic location: 9q33.3.
Variant type: single nucleotide variant.
Coding change: c.375G>A on transcript NM_004959.5 (MANE Select); coding-DNA position 375, G replaced by A.
Protein change: p.Pro125=; no amino-acid change (proline 125 retained).
Molecular consequence: synonymous variant.
Genome position (GRCh38, 1-based): chr9:124,500,585, C>T on the plus strand (G>A on the coding strand, the complement: NR5A1 is on the minus strand). VCF-style: chr9-124500585-C-T. GRCh37 (hg19) VCF-style: chr9-127262864-C-T.
Identifiers: ClinVar variation 259590 (VCV000259590.14), dbSNP rs1110062, ClinGen allele CA5235493.